The following is an entry in ClinVar:

NM_172245.4(CSF2RA):c.596G>A (p.Arg199Gln)

Gene: CSF2RA (colony stimulating factor 2 receptor subunit alpha; plus strand). Cytogenetic location: Xp22.33.
Variant type: single nucleotide variant.
Coding change: c.596G>A on transcript NM_172245.4 (MANE Select); coding-DNA position 596, G replaced by A.
Protein change: p.Arg199Gln; replaces arginine 199 with glutamine.
Molecular consequence: missense variant. On other transcripts: non-coding transcript variant (1).
Genome position (GRCh38, 1-based): chrX:1,290,459, G>A. VCF-style: chrX-1290459-G-A. GRCh37 (hg19) VCF-style: chrX-1409352-G-A.
Other names: c.596G>A, p.Arg199Gln (NM_001161529.2, NM_001161530.2, NM_001161531.2 and 20 more transcripts); c.197G>A, p.Arg66Gln (NM_001161532.2); short protein forms R66Q, R199Q.
Identifiers: ClinVar variation 643496 (VCV000643496.6), dbSNP rs144461826, ClinGen allele CA10330875.

ClinVar aggregate classification (germline): Uncertain significance (1 of 4 stars; one submission).

Conditions:
Surfactant metabolism dysfunction, pulmonary, 4 (SMDP4). Also called: CSF2RA DEFICIENCY; PULMONARY ALVEOLAR PROTEINOSIS, CONGENITAL, 4; PAP DUE TO CSF2RA DEFICIENCY. Identifiers: Orphanet 264675, MedGen C2677877, MONDO:0010424, OMIM 300770.

Allele frequency attached by ClinVar (database versions not stated): gnomAD 0.00003 and 0.00004; TOPMed 0.00004; ESP Exome Variant Server 0.00008.
gnomAD v4.1: 52 of 1,613,746 alleles (0.0032%); highest among the groups gnomAD compares: Admixed American, 0.005%; no homozygotes.

Submission:

Labcorp Genetics (formerly Invitae), Labcorp
Classification: Uncertain significance for Surfactant metabolism dysfunction, pulmonary, 4. Last evaluated: 2022-06-13. Review status: criteria provided, single submitter. Criteria: Invitae Variant Classification Sherloc (09022015). Collection method: clinical testing. Allele origin: germline.
Comment: In summary, the available evidence is currently insufficient to determine the role of this variant in disease. Therefore, it has been classified as a Variant of Uncertain Significance. Algorithms developed to predict the effect of missense changes on protein structure and function output the following: SIFT: "Tolerated"; PolyPhen-2: "Not Available"; Align-GVGD: "Class C0". The glutamine amino acid residue is found in multiple mammalian species, which suggests that this missense change does not adversely affect protein function. ClinVar contains an entry for this variant (Variation ID: 643496). This variant has not been reported in the literature in individuals affected with CSF2RA-related conditions. This variant is present in population databases (no rsID available, gnomAD 0.004%). This sequence change replaces arginine, which is basic and polar, with glutamine, which is neutral and polar, at codon 199 of the CSF2RA protein (p.Arg199Gln).